The following is an entry in ClinVar:

NM_001354483.2(CSGALNACT1):c.1163G>T (p.Ser388Ile)

Gene: CSGALNACT1 (chondroitin sulfate N-acetylgalactosaminyltransferase 1; minus strand). Cytogenetic location: 8p21.3.
Variant type: single nucleotide variant.
Coding change: c.1163G>T on transcript NM_001354483.2 (MANE Select); coding-DNA position 1163, G replaced by T.
Protein change: p.Ser388Ile; replaces serine 388 with isoleucine.
Molecular consequence: missense variant. On other transcripts: non-coding transcript variant (7).
Genome position (GRCh38, 1-based): chr8:19,418,720, C>A on the plus strand (G>T on the coding strand, the complement: CSGALNACT1 is on the minus strand). VCF-style: chr8-19418720-C-A. GRCh37 (hg19) VCF-style: chr8-19276231-C-A.
Other names: c.1163G>T, p.Ser388Ile (NM_001130518.2, NM_001354475.2, NM_001354476.2 and 18 more transcripts); short protein forms S388I.
Identifiers: ClinVar variation 1409178 (VCV001409178.8), dbSNP rs372053910, ClinGen allele CA4653880.

ClinVar aggregate classification (germline): Uncertain significance (1 of 4 stars; one submission).

Allele frequency attached by ClinVar (database versions not stated): gnomAD exomes below 0.00001 and 0.00002; gnomAD 0.00003; ExAC 0.00004; TOPMed 0.00005; ESP Exome Variant Server 0.00031.
gnomAD v4.1: 7 of 1,613,054 alleles (0.00043%); highest among the groups gnomAD compares: African/African-American, 0.0093%; no homozygotes.

Submission:

Labcorp Genetics (formerly Invitae), Labcorp
Classification: Uncertain significance. Last evaluated: 2024-10-14. Review status: criteria provided, single submitter. Criteria: Invitae Variant Classification Sherloc (09022015). Collection method: clinical testing. Allele origin: germline.
Comment: This sequence change replaces serine, which is neutral and polar, with isoleucine, which is neutral and non-polar, at codon 388 of the CSGALNACT1 protein (p.Ser388Ile). This variant is present in population databases (rs372053910, gnomAD 0.02%). This variant has not been reported in the literature in individuals affected with CSGALNACT1-related conditions. ClinVar contains an entry for this variant (Variation ID: 1409178). Invitae Evidence Modeling of protein sequence and biophysical properties (such as structural, functional, and spatial information, amino acid conservation, physicochemical variation, residue mobility, and thermodynamic stability) indicates that this missense variant is expected to disrupt CSGALNACT1 protein function with a positive predictive value of 80%. In summary, the available evidence is currently insufficient to determine the role of this variant in disease. Therefore, it has been classified as a Variant of Uncertain Significance.